The following is an entry in ClinVar:

NM_001347721.2(DYRK1A):c.2099G>A (p.Arg700His)

Gene: DYRK1A (dual specificity tyrosine phosphorylation regulated kinase 1A; plus strand). Cytogenetic location: 21q22.13.
Variant type: single nucleotide variant.
Coding change: c.2099G>A on transcript NM_001347721.2 (MANE Select); coding-DNA position 2099, G replaced by A.
Protein change: p.Arg700His; replaces arginine 700 with histidine.
Molecular consequence: missense variant. On other transcripts: 3 prime UTR variant (2).
Genome position (GRCh38, 1-based): chr21:37,512,365, G>A. VCF-style: chr21-37512365-G-A. GRCh37 (hg19) VCF-style: chr21-38884668-G-A.
Other names: c.2099G>A, p.Arg700His (NM_001347722.2, NM_130436.2); c.2012G>A, p.Arg671His (NM_001347723.2); c.2126G>A, p.Arg709His (NM_001396.5); c.*502G>A (NM_101395.2); c.*411G>A (NM_130438.2); short protein forms R700H, R671H, R709H.
Identifiers: ClinVar variation 833647 (VCV000833647.12), dbSNP rs374771208, ClinGen allele CA10024167.

ClinVar aggregate classification (germline): Conflicting classifications of pathogenicity. Review status: criteria provided, conflicting classifications (1 of 4 stars). 2 submissions from 2 submitters: Uncertain significance (1); Likely benign (1). Last evaluated 2025-11-05.

Conditions:
Inborn genetic diseases. Identifiers: MedGen C0950123, MeSH D030342.
DYRK1A-related intellectual disability syndrome (MRD7). Also called: Intellectual developmental disorder, autosomal dominant 7; DYRK1A Syndrome. Identifiers: Orphanet 464306, MedGen C5568143, MONDO:0013578, OMIM 614104.

Allele frequency attached by ClinVar (database versions not stated): gnomAD 0.00001; gnomAD exomes 0.00002 and 0.00004; TOPMed 0.00002; ESP Exome Variant Server 0.00008; ExAC 0.00001.
gnomAD v4.1: 54 of 1,614,052 alleles (0.0033%); highest among the groups gnomAD compares: Non-Finnish European, 0.0043%; no homozygotes.

Submissions (2):

Labcorp Genetics (formerly Invitae), Labcorp
Classification: Likely benign for DYRK1A-related intellectual disability syndrome. Last evaluated: 2025-11-05. Review status: criteria provided, single submitter. Criteria: Invitae Variant Classification Sherloc (09022015). Collection method: clinical testing. Allele origin: germline.

Ambry Genetics
Classification: Uncertain significance for Inborn genetic diseases. Last evaluated: 2018-02-08. Review status: criteria provided, single submitter. Criteria: Ambry Variant Classification Scheme 2023. Collection method: clinical testing. Allele origin: germline.
Comment: The p.R709H variant (also known as c.2126G>A), located in coding exon 11 of the DYRK1A gene, results from a G to A substitution at nucleotide position 2126. The arginine at codon 709 is replaced by histidine, an amino acid with highly similar properties. This amino acid position is highly conserved in available vertebrate species. In addition, the in silico prediction for this alteration is inconclusive. Since supporting evidence is limited at this time, the clinical significance of this alteration remains unclear.